The following is an entry in ClinVar:

ClinVar aggregate classification (germline): Benign/Likely benign. Review status: criteria provided, multiple submitters, no conflicts (2 of 4 stars). 3 submissions from 3 submitters: Benign (1); Likely benign (2). Last evaluated 2025-06-03.

Conditions:
Tuberous sclerosis 2 (TSC2). Identifiers: Orphanet 805, MedGen C1860707, MONDO:0013199, OMIM 613254.
Hereditary cancer-predisposing syndrome. Also called: Hereditary Cancer Syndrome; Tumor predisposition; Neoplastic Syndromes, Hereditary; Hereditary neoplastic syndrome. Identifiers: Orphanet 140162, MedGen C0027672, MeSH D009386, MONDO:0015356.

Submissions (3):

Myriad Genetics, Inc.
Classification: Benign for Tuberous sclerosis 2. Last evaluated: 2025-06-03. Review status: criteria provided, single submitter. Criteria: Myriad Autosomal Dominant, Autosomal Recessive and X-Linked Classification Criteria (2023). Collection method: clinical testing. Allele origin: unknown.
Comment: This variant is considered benign. This variant is a silent/synonymous amino acid change and it is not expected to impact splicing.

Labcorp Genetics (formerly Invitae), Labcorp
Classification: Likely benign for Tuberous sclerosis 2. Last evaluated: 2024-10-20. Review status: criteria provided, single submitter. Criteria: Invitae Variant Classification Sherloc (09022015). Collection method: clinical testing. Allele origin: germline.

Ambry Genetics
Classification: Likely benign for Hereditary cancer-predisposing syndrome. Last evaluated: 2023-12-31. Review status: criteria provided, single submitter. Criteria: Ambry Variant Classification Scheme 2023. Collection method: clinical testing. Allele origin: germline.

NM_000548.5(TSC2):c.4386C>T (p.Thr1462=)

Gene: TSC2 (TSC complex subunit 2; plus strand). Cytogenetic location: 16p13.3.
Variant type: single nucleotide variant.
Coding change: c.4386C>T on transcript NM_000548.5 (MANE Select); coding-DNA position 4386, C replaced by T.
Protein change: p.Thr1462=; no amino-acid change (threonine 1462 retained).
Molecular consequence: synonymous variant. On other transcripts: non-coding transcript variant (5).
Genome position (GRCh38, 1-based): chr16:2,084,608, C>T. VCF-style: chr16-2084608-C-T. GRCh37 (hg19) VCF-style: chr16-2134609-C-T.
Other names: c.4185C>T, p.Thr1395= (NM_001077183.3); c.4317C>T, p.Thr1439= (NM_001114382.3); c.4077C>T, p.Thr1359= (NM_001318827.2); c.4041C>T, p.Thr1347= (NM_001318829.2); c.3654C>T, p.Thr1218= (NM_001318831.2); c.4218C>T, p.Thr1406= (NM_001318832.2); c.4188C>T, p.Thr1396= (NM_001363528.2); c.4254C>T, p.Thr1418= (NM_001370404.1); and 26 more.
Identifiers: ClinVar variation 2104609 (VCV002104609.6), dbSNP rs2151534904, ClinGen allele CA493043311.
Genomic context (GRCh38, chr16:2,084,608, plus strand): 5'-GGGTCCCTTGCCTTCCAGCTCCCCCCGCTCGCCCAGTGGCCTCCGGCCCCGAGGTTACAC[C>T]ATCTCCGACTCGGCCCCATCACGCAGGGGCAAGAGAGTAGAGAGGGACGCCTTAAAGAGC-3'
Protein context (NP_000539.2, residues 1452-1472): SPSGLRPRGY[Thr1462=]ISDSAPSRRG